The following is an entry in ClinVar:

ClinVar aggregate classification (germline): Uncertain significance (1 of 4 stars; one submission).

Allele frequency attached by ClinVar (database versions not stated): gnomAD exomes 0.00001.
gnomAD v4.1: 10 of 1,608,536 alleles (0.00062%); highest among the groups gnomAD compares: East Asian, 0.0045%; no homozygotes.

Submission:

Labcorp Genetics (formerly Invitae), Labcorp
Classification: Uncertain significance. Last evaluated: 2023-06-07. Review status: criteria provided, single submitter. Criteria: Invitae Variant Classification Sherloc (09022015). Collection method: clinical testing. Allele origin: germline.
Comment: In summary, the available evidence is currently insufficient to determine the role of this variant in disease. Therefore, it has been classified as a Variant of Uncertain Significance. Algorithms developed to predict the effect of sequence changes on RNA splicing suggest that this variant may disrupt the consensus splice site. This variant has not been reported in the literature in individuals affected with ALPK1-related conditions. This variant is not present in population databases (gnomAD no frequency). This sequence change falls in intron 15 of the ALPK1 gene. It does not directly change the encoded amino acid sequence of the ALPK1 protein.

NM_025144.4(ALPK1):c.3728-10C>G

Gene: ALPK1 (alpha kinase 1; plus strand). Cytogenetic location: 4q25.
Variant type: single nucleotide variant.
Coding change: c.3728-10C>G on transcript NM_025144.4 (MANE Select); 10 bases into the intron before coding-DNA position 3728, C replaced by G.
Molecular consequence: intron variant.
Genome position (GRCh38, 1-based): chr4:112,441,193, C>G. VCF-style: chr4-112441193-C-G. GRCh37 (hg19) VCF-style: chr4-113362349-C-G.
Other names: c.3728-10C>G (NM_001102406.2); c.3494-10C>G (NM_001253884.2).
Identifiers: ClinVar variation 2869852 (VCV002869852.3), dbSNP rs2476520949, ClinGen allele CA2578170409.
Genomic context (GRCh38, chr4:112,441,193, plus strand): 5'-ATGTGACAGACCTTAGTGATGCTCTCAAATATCTGGTGATGCTCGCAAATATCTGGTTCT[C>G]TCCTTCCAGGCACATAGAATACGGCACAGTCTGGTCCTTTGGGGCTTGGGCAGGGCCGTG-3'